The following is an entry in ClinVar:

NM_001098426.2(SMARCD2):c.922-3C>T

Gene: SMARCD2 (SWI/SNF related BAF chromatin remodeling complex subunit D2; minus strand). Cytogenetic location: 17q23.3.
Variant type: single nucleotide variant.
Coding change: c.922-3C>T on transcript NM_001098426.2 (MANE Select); 3 bases into the intron before coding-DNA position 922, C replaced by T.
Molecular consequence: intron variant.
Genome position (GRCh38, 1-based): chr17:63,834,331, G>A on the plus strand (C>T on the coding strand, the complement: SMARCD2 is on the minus strand). VCF-style: chr17-63834331-G-A. GRCh37 (hg19) VCF-style: chr17-61911691-G-A.
Other names: c.922-3C>T (NM_001098426.1); c.697-3C>T (NM_001330439.1); c.778-3C>T (NM_001330440.2).
Identifiers: ClinVar variation 1477193 (VCV001477193.8), dbSNP rs756359576, ClinGen allele CA8706344.

ClinVar aggregate classification (germline): Uncertain significance. Review status: criteria provided, multiple submitters, no conflicts (2 of 4 stars). 3 submissions from 3 submitters: Uncertain significance (2). 1 of the submissions does not count toward it. Last evaluated 2025-12-24.

Conditions:
SMARCD2-related disorder. Also called: SMARCD2-related condition.
Specific granule deficiency 2 (SGD2). Identifiers: MedGen C4479548, MONDO:0044208, OMIM 617475.

Allele frequency attached by ClinVar (database versions not stated): ExAC 0.00002; TOPMed 0.00002; gnomAD 0.00003 and 0.00009; gnomAD exomes 0.00003 and 0.00019.
gnomAD v4.1: 284 of 1,609,310 alleles (0.018%); highest among the groups gnomAD compares: East Asian, 0.64%; 2 homozygotes.

Submissions (3):

Labcorp Genetics (formerly Invitae), Labcorp
Classification: Uncertain significance. Last evaluated: 2025-12-24. Review status: criteria provided, single submitter. Criteria: Invitae Variant Classification Sherloc (09022015). Collection method: clinical testing. Allele origin: germline.
Comment: This sequence change falls in intron 7 of the SMARCD2 gene. It does not directly change the encoded amino acid sequence of the SMARCD2 protein. It affects a nucleotide within the consensus splice site. This variant is present in population databases (rs756359576, gnomAD 0.05%). This variant has not been reported in the literature in individuals affected with SMARCD2-related conditions. ClinVar contains an entry for this variant (Variation ID: 1477193). Variants that disrupt the consensus splice site are a relatively common cause of aberrant splicing (PMID: 17576681, 9536098). Algorithms developed to predict the effect of sequence changes on RNA splicing suggest that this variant is not likely to affect RNA splicing. In summary, the available evidence is currently insufficient to determine the role of this variant in disease. Therefore, it has been classified as a Variant of Uncertain Significance.

Fulgent Genetics
Classification: Uncertain significance for Specific granule deficiency 2. Last evaluated: 2024-05-17. Review status: criteria provided, single submitter. Criteria: ACMG Guidelines, 2015. Collection method: clinical testing. Allele origin: germline.

PreventionGenetics, part of Exact Sciences
Classification: Likely benign for SMARCD2-related condition. Last evaluated: 2023-12-06. Review status: no assertion criteria provided. Collection method: clinical testing. Allele origin: germline. Not counted in ClinVar's aggregate classification.
Comment: This variant is classified as likely benign based on ACMG/AMP sequence variant interpretation guidelines (Richards et al. 2015 PMID: 25741868, with internal and published modifications).

Literature cited by the submitters: PubMed 17576681 (cited by Labcorp Genetics (formerly Invitae), Labcorp); PubMed 9536098 (cited by Labcorp Genetics (formerly Invitae), Labcorp).